The following is an entry in ClinVar:

ClinVar aggregate classification (germline): Uncertain significance (1 of 4 stars; one submission).

Allele frequency attached by ClinVar (database versions not stated): gnomAD 0.00001.
gnomAD v4.1: 4 of 1,613,540 alleles (0.00025%); highest among the groups gnomAD compares: African/African-American, 0.0027%; no homozygotes.

Submission:

Labcorp Genetics (formerly Invitae), Labcorp
Classification: Uncertain significance. Last evaluated: 2021-12-27. Review status: criteria provided, single submitter. Criteria: Invitae Variant Classification Sherloc (09022015). Collection method: clinical testing. Allele origin: germline.
Comment: In summary, the available evidence is currently insufficient to determine the role of this variant in disease. Therefore, it has been classified as a Variant of Uncertain Significance. Algorithms developed to predict the effect of missense changes on protein structure and function are either unavailable or do not agree on the potential impact of this missense change (SIFT: "Tolerated"; PolyPhen-2: "Possibly Damaging"; Align-GVGD: "Class C0"). This variant has not been reported in the literature in individuals affected with PRMT7-related conditions. This variant is present in population databases (no rsID available, gnomAD 0.01%). This sequence change replaces leucine, which is neutral and non-polar, with isoleucine, which is neutral and non-polar, at codon 491 of the PRMT7 protein (p.Leu491Ile).

NM_019023.5(PRMT7):c.1471C>A (p.Leu491Ile)

Gene: PRMT7 (protein arginine methyltransferase 7; plus strand). Cytogenetic location: 16q22.1.
Variant type: single nucleotide variant.
Coding change: c.1471C>A on transcript NM_019023.5 (MANE Select); coding-DNA position 1471, C replaced by A.
Protein change: p.Leu491Ile; replaces leucine 491 with isoleucine.
Molecular consequence: missense variant. On other transcripts: non-coding transcript variant (12).
Genome position (GRCh38, 1-based): chr16:68,352,305, C>A. VCF-style: chr16-68352305-C-A. GRCh37 (hg19) VCF-style: chr16-68386208-C-A.
Other names: c.1321C>A, p.Leu441Ile (NM_001184824.4); c.1471C>A, p.Leu491Ile (NM_001290018.2, NM_001351143.3, NM_001351144.3 and 1 more transcripts); c.1264C>A, p.Leu422Ile (NM_001378020.1); c.1234C>A, p.Leu412Ile (NM_001378021.1, NM_001378022.1, NM_001378023.1); short protein forms L441I, L491I, L412I, L422I.
Identifiers: ClinVar variation 2062376 (VCV002062376.4), dbSNP rs1273533363, ClinGen allele CA396439637.